The following is an entry in ClinVar:

ClinVar aggregate classification (germline): Benign/Likely benign. Review status: criteria provided, multiple submitters, no conflicts (2 of 4 stars). 3 submissions from 3 submitters: Benign (1); Likely benign (1). 1 of the submissions does not count toward it. Last evaluated 2026-01-15.

Conditions:
AMER1-related disorder. Also called: AMER1-related condition.

Allele frequency attached by ClinVar (database versions not stated): TOPMed 0.00090; 1000 Genomes Project 30x 0.00187; 1000 Genomes Project 0.00212.
gnomAD v4.1: 670 of 1,205,518 alleles (0.056%); highest among the groups gnomAD compares: East Asian, 1.4%; 5 homozygotes.

Submissions (3):

Labcorp Genetics (formerly Invitae), Labcorp
Classification: Benign. Last evaluated: 2026-01-15. Review status: criteria provided, single submitter. Criteria: Invitae Variant Classification Sherloc (09022015). Collection method: clinical testing. Allele origin: germline.

Blueprint Genetics
Classification: Likely benign. Last evaluated: 2024-10-14. Review status: criteria provided, single submitter. Criteria: ACMG Guidelines, 2015. Collection method: clinical testing. Allele origin: germline.

PreventionGenetics, part of Exact Sciences
Classification: Benign for AMER1-related condition. Last evaluated: 2019-06-25. Review status: no assertion criteria provided. Collection method: clinical testing. Allele origin: germline. Not counted in ClinVar's aggregate classification.
Comment: This variant is classified as benign based on ACMG/AMP sequence variant interpretation guidelines (Richards et al. 2015 PMID: 25741868, with internal and published modifications).

NM_152424.4(AMER1):c.2520C>T (p.Ala840=)

Gene: AMER1 (APC membrane recruitment protein 1; minus strand). Cytogenetic location: Xq11.2.
Variant type: single nucleotide variant.
Coding change: c.2520C>T on transcript NM_152424.4 (MANE Select); coding-DNA position 2520, C replaced by T.
Protein change: p.Ala840=; no amino-acid change (alanine 840 retained).
Molecular consequence: synonymous variant.
Genome position (GRCh38, 1-based): chrX:64,190,767, G>A on the plus strand (C>T on the coding strand, the complement: AMER1 is on the minus strand). VCF-style: chrX-64190767-G-A. GRCh37 (hg19) VCF-style: chrX-63410647-G-A.
Identifiers: ClinVar variation 718682 (VCV000718682.12), dbSNP rs141254979, ClinGen allele CA10432188.